The following is an entry in ClinVar:

NM_022114.4(PRDM16):c.2057C>T (p.Thr686Met)

Gene: PRDM16 (PR/SET domain 16; plus strand). Cytogenetic location: 1p36.32.
Variant type: single nucleotide variant.
Coding change: c.2057C>T on transcript NM_022114.4 (MANE Select); coding-DNA position 2057, C replaced by T.
Protein change: p.Thr686Met; replaces threonine 686 with methionine.
Molecular consequence: missense variant.
Genome position (GRCh38, 1-based): chr1:3,412,254, C>T. VCF-style: chr1-3412254-C-T. GRCh37 (hg19) VCF-style: chr1-3328818-C-T.
Other names: c.2057C>T, p.Thr686Met (NM_199454.3); short protein forms T686M.
Identifiers: ClinVar variation 851519 (VCV000851519.1), dbSNP rs868332674, ClinGen allele CA16967302.

ClinVar aggregate classification (germline): Uncertain significance (1 of 4 stars; one submission).

Conditions:
Left ventricular noncompaction 8 (LVNC8). Identifiers: Orphanet 154, Orphanet 54260, MedGen C3809288, MONDO:0014152, OMIM 615373.

Allele frequency attached by ClinVar (database versions not stated): gnomAD exomes below 0.00001 and 0.00001; TOPMed 0.00001.
gnomAD v4.1: 3 of 1,611,744 alleles (0.00019%); highest among the groups gnomAD compares: East Asian, 0.0022%; no homozygotes.

Submission:

Labcorp Genetics (formerly Invitae), Labcorp
Classification: Uncertain significance for Left ventricular noncompaction 8. Last evaluated: 2019-12-20. Review status: criteria provided, single submitter. Criteria: Invitae Variant Classification Sherloc (09022015). Collection method: clinical testing. Allele origin: germline.
Comment: This sequence change replaces threonine with methionine at codon 686 of the PRDM16 protein (p.Thr686Met). The threonine residue is weakly conserved and there is a moderate physicochemical difference between threonine and methionine. This variant is not present in population databases (ExAC no frequency). This variant has not been reported in the literature in individuals with PRDM16-related conditions. Algorithms developed to predict the effect of missense changes on protein structure and function are either unavailable or do not agree on the potential impact of this missense change (SIFT: "Deleterious"; PolyPhen-2: "Benign"; Align-GVGD: "Class C0"). In summary, the available evidence is currently insufficient to determine the role of this variant in disease. Therefore, it has been classified as a Variant of Uncertain Significance.